The following is an entry in ClinVar:

NM_000303.3(PMM2):c.452A>G (p.Glu151Gly)

Gene: PMM2 (phosphomannomutase 2; plus strand). Cytogenetic location: 16p13.2.
Variant type: single nucleotide variant.
Coding change: c.452A>G on transcript NM_000303.3 (MANE Select); coding-DNA position 452, A replaced by G.
Protein change: p.Glu151Gly; replaces glutamic acid 151 with glycine.
Molecular consequence: missense variant.
Genome position (GRCh38, 1-based): chr16:8,811,642, A>G. VCF-style: chr16-8811642-A-G. GRCh37 (hg19) VCF-style: chr16-8905499-A-G.
Other names: short protein forms E151G.
Identifiers: ClinVar variation 5004924 (VCV005004924.1).

ClinVar aggregate classification (germline): Uncertain significance (1 of 4 stars; one submission).

Conditions:
PMM2-congenital disorder of glycosylation. Also called: CDG Ia; CARBOHYDRATE-DEFICIENT GLYCOPROTEIN SYNDROME, TYPE Ia; JAEKEN SYNDROME; PMM2-CDG; Congenital disorder of glycosylation, type Ia; PHOSPHOMANNOMUTASE 2 DEFICIENCY. Identifiers: Orphanet 79318, MedGen C0349653, MONDO:0008907, OMIM 212065.

Submission:

Myriad Genetics, Inc.
Classification: Uncertain significance for PMM2-congenital disorder of glycosylation. Last evaluated: 2025-12-01. Review status: criteria provided, single submitter. Criteria: Myriad Autosomal Dominant, Autosomal Recessive and X-Linked Classification Criteria (2023). Collection method: clinical testing. Allele origin: unknown.
Comment: NM_000303.2(PMM2):c.452A>G(E151G) is a missense variant classified as a variant of uncertain significance in the context of congenital disorder of glycosylation, PMM2-related. E151G has been observed in cases with relevant disease (PMID: 10527672, 10700701, 21541726). Relevant functional assessments of this variant are not available in the literature. E151G has not been observed in referenced population frequency databases. In summary, there is insufficient evidence to classify NM_000303.2(PMM2):c.452A>G(E151G) as pathogenic or benign. Please note: this variant was assessed in the context of healthy population screening.

Literature cited by the submitters: PubMed 10527672; PubMed 10700701; PubMed 21541726.